The following is an entry in ClinVar:

ClinVar aggregate classification (germline): drug response. Review status: reviewed by expert panel (3 of 4 stars). 3 submissions from 1 submitter: drug response (3). Last evaluated 2021-03-24.

Conditions:
peginterferon alfa-2a response - Efficacy. Identifiers: MedGen CN322747.
peginterferon alfa-2b response - Efficacy. Identifiers: MedGen CN322748.
ribavirin response - Efficacy. Identifiers: MedGen CN322749.

Allele frequency attached by ClinVar (database versions not stated): TOPMed 0.31002; 1000 Genomes Project 0.25120; 1000 Genomes Project 30x 0.26109; gnomAD exomes 0.27893; gnomAD 0.29699 and 0.30202.
gnomAD v4.1: 415,585 of 1,480,780 alleles (28%); highest among the groups gnomAD compares: Admixed American, 37%; 59,929 homozygotes.

Submissions (3):

ClinPGx
Classification: drug response for peginterferon alfa-2a response - Efficacy. Last evaluated: 2021-03-24. Review status: reviewed by expert panel. Criteria: Pharmacogenomics knowledge for personalized medicine. Collection method: curation. Allele origin: germline. Affected: yes.
Comment: PharmGKB Level of Evidence 2A: Variants in Level 2A clinical annotations are found in PharmGKB’s Tier 1 Very Important Pharmacogenes (VIPs). These variants are in known pharmacogenes, implying causation of drug phenotype is more likely. These clinical annotations describe variant-drug combinations with a moderate level of evidence supporting the association. For example, the association may be found in multiple cohorts, but there may be a minority of studies that do not support the majority assertion. Level 2A clinical annotations must be supported by at least two independent publications.

Drug is not necessarily used to treat response condition

ClinPGx
Classification: drug response for peginterferon alfa-2b response - Efficacy. Last evaluated: 2021-03-24. Review status: reviewed by expert panel. Criteria: Pharmacogenomics knowledge for personalized medicine. Collection method: curation. Allele origin: germline. Affected: yes.
Comment: the same text as in the submission from ClinPGx above.

ClinPGx
Classification: drug response for ribavirin response - Efficacy. Last evaluated: 2021-03-24. Review status: reviewed by expert panel. Criteria: Pharmacogenomics knowledge for personalized medicine. Collection method: curation. Allele origin: germline. Affected: yes.
Comment: the same text as in the submission from ClinPGx above.

Literature cited by the submitters: PubMed 19749757; PubMed 21346780; PubMed 22328925; PubMed 23281610.

NM_172139.4(IFNL3):c.259-126T>C

Gene: IFNL3 (interferon lambda 3; minus strand). Cytogenetic location: 19q13.2.
Variant type: single nucleotide variant.
Coding change: c.259-126T>C on transcript NM_172139.4 (MANE Select); 126 bases into the intron before coding-DNA position 259, T replaced by C.
Molecular consequence: intron variant.
Genome position (GRCh38, 1-based): chr19:39,244,283, A>G on the plus strand (T>C on the coding strand, the complement: IFNL3 is on the minus strand). VCF-style: chr19-39244283-A-G. GRCh37 (hg19) VCF-style: chr19-39734923-A-G.
Other names: c.271-126T>C (NM_001346937.2).
Identifiers: ClinVar variation 375658 (VCV000375658.3), dbSNP rs11881222, ClinGen allele CA16044417.
Genomic context (GRCh38, chr19:39,244,283, plus strand): 5'-AGAGAGGAACAAGTGAAGGTGACAGGCACAGGGGAGAGGGCACAGCCAGTGTGGTCAGGT[A>G]GGAGCAGAGGGAAGGGGTAGCAGGTGTGGGGAGAGGAGAGAGGGACAATGGAGAAGGAGA-3'